The following is an entry in ClinVar:

ClinVar aggregate classification (germline): Uncertain significance (1 of 4 stars; one submission).

Conditions:
Nemaline myopathy 9 (NEM9). Identifiers: MedGen C3810384, MONDO:0014326, OMIM 615731.

Allele frequency attached by ClinVar (database versions not stated): gnomAD exomes 0.00001; gnomAD 0.00002 and 0.00003; TOPMed 0.00003.
gnomAD v4.1: 13 of 1,613,900 alleles (0.00081%); highest among the groups gnomAD compares: Middle Eastern, 0.016%; no homozygotes.

Submission:

Labcorp Genetics (formerly Invitae), Labcorp
Classification: Uncertain significance for Nemaline myopathy 9. Last evaluated: 2020-12-22. Review status: criteria provided, single submitter. Criteria: Invitae Variant Classification Sherloc (09022015). Collection method: clinical testing. Allele origin: germline.
Comment: This variant is not present in population databases (ExAC no frequency). This sequence change replaces isoleucine with threonine at codon 483 of the KLHL41 protein (p.Ile483Thr). The isoleucine residue is weakly conserved and there is a moderate physicochemical difference between isoleucine and threonine. This variant has not been reported in the literature in individuals with KLHL41-related conditions. In summary, the available evidence is currently insufficient to determine the role of this variant in disease. Therefore, it has been classified as a Variant of Uncertain Significance. Algorithms developed to predict the effect of missense changes on protein structure and function output the following: SIFT: "Tolerated"; PolyPhen-2: "Benign"; Align-GVGD: "Class C0". The threonine amino acid residue is found in multiple mammalian species, suggesting that this missense change does not adversely affect protein function. These predictions have not been confirmed by published functional studies and their clinical significance is uncertain.

NM_006063.3(KLHL41):c.1448T>C (p.Ile483Thr)

Gene: KLHL41 (kelch like family member 41; plus strand). Cytogenetic location: 2q31.1.
Variant type: single nucleotide variant.
Coding change: c.1448T>C on transcript NM_006063.3 (MANE Select); coding-DNA position 1448, T replaced by C.
Protein change: p.Ile483Thr; replaces isoleucine 483 with threonine.
Molecular consequence: missense variant.
Genome position (GRCh38, 1-based): chr2:169,518,261, T>C. VCF-style: chr2-169518261-T-C. GRCh37 (hg19) VCF-style: chr2-170374771-T-C.
Other names: short protein forms I483T.
Identifiers: ClinVar variation 1002429 (VCV001002429.8), dbSNP rs978825115, ClinGen allele CA59946951.
Genomic context (GRCh38, chr2:169,518,261, plus strand): 5'-ACAGGGTGTTTATCTTCAACCCCAAAAAAGGAGATTGGAAAGATCTGGCTCCAATGAAAA[T>C]TCCTCGTTCCATGTTTGGAGTAGCAGTCCATAAAGGCAAAATTGTGATTGCAGGAGGTGT-3'
Protein context (NP_006054.2, residues 473-493): GDWKDLAPMK[Ile483Thr]PRSMFGVAVH